The following is an entry in ClinVar:

NM_001089.3(ABCA3):c.3941G>A (p.Gly1314Glu)

Gene: ABCA3 (ATP binding cassette subfamily A member 3; minus strand). Cytogenetic location: 16p13.3.
Variant type: single nucleotide variant.
Coding change: c.3941G>A on transcript NM_001089.3 (MANE Select); coding-DNA position 3941, G replaced by A.
Protein change: p.Gly1314Glu; replaces glycine 1314 with glutamic acid.
Molecular consequence: missense variant.
Genome position (GRCh38, 1-based): chr16:2,283,280, C>T on the plus strand (G>A on the coding strand, the complement: ABCA3 is on the minus strand). VCF-style: chr16-2283280-C-T. GRCh37 (hg19) VCF-style: chr16-2333281-C-T.
Other names: short protein forms G1314E.
Identifiers: ClinVar variation 3769243 (VCV003769243.3).

ClinVar aggregate classification (germline): Uncertain significance. Review status: criteria provided, multiple submitters, no conflicts (2 of 4 stars). 2 submissions from 2 submitters: Uncertain significance (2). Last evaluated 2025-12-05.

Conditions:
Interstitial lung disease due to ABCA3 deficiency. Also called: PULMONARY ALVEOLAR PROTEINOSIS, CONGENITAL, 3. Identifiers: Orphanet 440402, MedGen C1970456, MONDO:0012582, OMIM 610921.

gnomAD v4.1: 1 of 1,613,296 alleles (0.000062%); highest among the groups gnomAD compares: Non-Finnish European, 0.000085%; no homozygotes.

Submissions (2):

Myriad Genetics, Inc.
Classification: Uncertain significance for Interstitial lung disease due to ABCA3 deficiency. Last evaluated: 2025-12-05. Review status: criteria provided, single submitter. Criteria: Myriad Autosomal Dominant, Autosomal Recessive and X-Linked Classification Criteria (2023). Collection method: clinical testing. Allele origin: unknown.
Comment: NM_001089.2(ABCA3):c.3941G>A(G1314E) is a missense variant classified as a variant of uncertain significance in the context of surfactant deficiency, ABCA3-related. G1314E has been observed in a case with relevant disease (PMID: 27516224). Relevant functional assessments of this variant are available in the literature (PMID: 37108718, 37175887). G1314E has not been observed in referenced population frequency databases. In summary, there is insufficient evidence to classify NM_001089.2(ABCA3):c.3941G>A(G1314E) as pathogenic or benign. Please note: this variant was assessed in the context of healthy population screening.

Women's Health and Genetics/Laboratory Corporation of America, LabCorp
Classification: Uncertain significance. Last evaluated: 2025-01-31. Review status: criteria provided, single submitter. Criteria: LabCorp Variant Classification Summary - May 2015. Collection method: clinical testing. Allele origin: germline.
Comment: Variant summary: ABCA3 c.3941G>A (p.Gly1314Glu) results in a non-conservative amino acid change located in the ABC-2 family transporter protein domain (IPR013525) of the encoded protein sequence. Five of five in-silico tools predict a damaging effect of the variant on protein function. The variant was absent in 250388 control chromosomes. c.3941G>A has been reported in the literature in at-least one compound heterozygous deceased child with interstitial lung disease whose phenotype and laboratory testing were consistent with Pulmonary surfactant metabolism dysfunction (example: Griese_2015, Krner_2017). These data do not allow any conclusion about variant significance. At least one publication reports experimental evidence evaluating an impact on protein function (example: Yang_2023). Specifically, overall transport function was assessed via evaluating in vitro impairment of intracellular trafficking and pumping activity and defective trafficking and impaired pumping was demonstrated for the c.3941G>A variant, as well as for the co-occurring variant reported in the affected child described above (example: Griese_2015, Krner_2017). The following publications have been ascertained in the context of this evaluation (PMID: 25692779, 27516224, 37108718). No submitters have cited clinical-significance assessments for this variant to ClinVar. Based on the evidence outlined above, the variant was classified as VUS-possibly pathogenic.

Literature cited by the submitters: PubMed 27516224 (cited by Myriad Genetics, Inc. and Women's Health and Genetics/Laboratory Corporation of America, LabCorp); PubMed 37108718 (cited by Myriad Genetics, Inc. and Women's Health and Genetics/Laboratory Corporation of America, LabCorp); PubMed 37175887 (cited by Myriad Genetics, Inc.); PubMed 25692779 (cited by Women's Health and Genetics/Laboratory Corporation of America, LabCorp).